The following is an entry in ClinVar:

NM_000245.4(MET):c.1274A>G (p.Gln425Arg)

Gene: MET (MET proto-oncogene, receptor tyrosine kinase; plus strand). Cytogenetic location: 7q31.2.
Variant type: single nucleotide variant.
Coding change: c.1274A>G on transcript NM_000245.4 (MANE Select); coding-DNA position 1274, A replaced by G.
Protein change: p.Gln425Arg; replaces glutamine 425 with arginine.
Molecular consequence: missense variant. On other transcripts: 5 prime UTR variant (1).
Genome position (GRCh38, 1-based): chr7:116,731,741, A>G. VCF-style: chr7-116731741-A-G. GRCh37 (hg19) VCF-style: chr7-116371795-A-G.
Other names: c.1274A>G, p.Gln425Arg (NM_001127500.3, NM_001324401.3); c.-17A>G (NM_001324402.2); short protein forms Q425R.
Identifiers: ClinVar variation 1469796 (VCV001469796.9), dbSNP rs1793013042, ClinGen allele CA368972825.

ClinVar aggregate classification (germline): Uncertain significance. Review status: criteria provided, multiple submitters, no conflicts (2 of 4 stars). 2 submissions from 2 submitters: Uncertain significance (2). Last evaluated 2021-07-28.

Conditions:
Renal cell carcinoma. Identifiers: Orphanet 217071, MedGen C0007134, MeSH D002292, MONDO:0005086, HP:0005584.

Allele frequency attached by ClinVar (database versions not stated): TOPMed below 0.00001.

Submissions (2):

Labcorp Genetics (formerly Invitae), Labcorp
Classification: Uncertain significance for Renal cell carcinoma. Last evaluated: 2021-07-28. Review status: criteria provided, single submitter. Criteria: Invitae Variant Classification Sherloc (09022015). Collection method: clinical testing. Allele origin: germline.
Comment: In summary, the available evidence is currently insufficient to determine the role of this variant in disease. Therefore, it has been classified as a Variant of Uncertain Significance. Algorithms developed to predict the effect of missense changes on protein structure and function (SIFT, PolyPhen-2, Align-GVGD) all suggest that this variant is likely to be tolerated, but these predictions have not been confirmed by published functional studies and their clinical significance is uncertain. This variant has not been reported in the literature in individuals with MET-related conditions. This variant is not present in population databases (ExAC no frequency). This sequence change replaces glutamine with arginine at codon 425 of the MET protein (p.Gln425Arg). The glutamine residue is moderately conserved and there is a small physicochemical difference between glutamine and arginine.

Quest Diagnostics Nichols Institute San Juan Capistrano
Classification: Uncertain significance. Last evaluated: 2021-06-29. Review status: criteria provided, single submitter. Criteria: Quest Diagnostics criteria. Collection method: clinical testing. Allele origin: unknown.